The following is an entry in ClinVar:

ClinVar aggregate classification (germline): Uncertain significance. Review status: criteria provided, multiple submitters, no conflicts (2 of 4 stars). 2 submissions from 2 submitters: Uncertain significance (2). Last evaluated 2024-08-03.

Conditions:
Intellectual disability-severe speech delay-mild dysmorphism syndrome (IDDLA). Also called: Mental retardation with language impairment and autistic features; Intellectual developmental disorder with language impairment AND with or without autistic features; FOXP1 Syndrome. Identifiers: Orphanet 391372, MedGen C4013764, MONDO:0013352, OMIM 613670.

Submissions (2):

Labcorp Genetics (formerly Invitae), Labcorp
Classification: Uncertain significance. Last evaluated: 2024-08-03. Review status: criteria provided, single submitter. Criteria: Invitae Variant Classification Sherloc (09022015). Collection method: clinical testing. Allele origin: germline.
Comment: This sequence change falls in intron 16 of the FOXP1 gene. It does not directly change the encoded amino acid sequence of the FOXP1 protein. It affects a nucleotide within the consensus splice site. This variant is not present in population databases (gnomAD no frequency). This variant has not been reported in the literature in individuals affected with FOXP1-related conditions. Variants that disrupt the consensus splice site are a relatively common cause of aberrant splicing (PMID: 17576681, 9536098). Algorithms developed to predict the effect of sequence changes on RNA splicing suggest that this variant may disrupt the consensus splice site. In summary, the available evidence is currently insufficient to determine the role of this variant in disease. Therefore, it has been classified as a Variant of Uncertain Significance.

Molecular Genetics Lab, CHRU Brest
Classification: Uncertain significance for Intellectual disability-severe speech delay-mild dysmorphism syndrome. Review status: criteria provided, single submitter. Criteria: ACMG Guidelines, 2015. Collection method: clinical testing. Allele origin: de novo. Affected: yes.

Literature cited by the submitters: PubMed 17576681 (cited by Labcorp Genetics (formerly Invitae), Labcorp); PubMed 9536098 (cited by Labcorp Genetics (formerly Invitae), Labcorp).

NM_001349338.3(FOXP1):c.1429-3C>G

Genes: FOXP1 (forkhead box P1; minus strand), LOC126806714 (BRD4-independent group 4 enhancer GRCh37_chr3:71025197-71026396; plus strand). Cytogenetic location: 3p13.
Variant type: single nucleotide variant.
Coding change: c.1429-3C>G on transcript NM_001349338.3 (MANE Select); 3 bases into the intron before coding-DNA position 1429, C replaced by G.
Molecular consequence: intron variant.
Genome position (GRCh38, 1-based): chr3:70,977,045, G>C on the plus strand (C>G on the coding strand, the complement: FOXP1 is on the minus strand). VCF-style: chr3-70977045-G-C. GRCh37 (hg19) VCF-style: chr3-71026196-G-C.
Other names: c.1429-3C>G (NM_001244810.2, NM_032682.6, NM_001349340.3 and 2 more transcripts); c.1426-3C>G (NM_001349341.3, NM_001244808.3); c.1201-3C>G (NM_001244812.3); c.1126-3C>G (NM_001349343.3, NM_001349337.2, NM_001370548.1 and 1 more transcripts); c.1129-3C>G (NM_001349342.3, NM_001244815.2, NM_001244813.3).
Identifiers: ClinVar variation 3024288 (VCV003024288.3), dbSNP rs2037710213, ClinGen allele CA2740094501.